The following is an entry in ClinVar:

ClinVar aggregate classification (germline): Uncertain significance (1 of 4 stars; one submission).

Submission:

Labcorp Genetics (formerly Invitae), Labcorp
Classification: Uncertain significance. Last evaluated: 2022-06-14. Review status: criteria provided, single submitter. Criteria: Invitae Variant Classification Sherloc (09022015). Collection method: clinical testing. Allele origin: germline.
Comment: This sequence change replaces serine, which is neutral and polar, with glycine, which is neutral and non-polar, at codon 253 of the ZMIZ1 protein (p.Ser253Gly). This variant is not present in population databases (gnomAD no frequency). This variant has not been reported in the literature in individuals affected with ZMIZ1-related conditions. Algorithms developed to predict the effect of missense changes on protein structure and function (SIFT, PolyPhen-2, Align-GVGD) all suggest that this variant is likely to be tolerated. Algorithms developed to predict the effect of sequence changes on RNA splicing suggest that this variant may create or strengthen a splice site. In summary, the available evidence is currently insufficient to determine the role of this variant in disease. Therefore, it has been classified as a Variant of Uncertain Significance.

NM_020338.4(ZMIZ1):c.757A>G (p.Ser253Gly)

Gene: ZMIZ1 (zinc finger MIZ-type containing 1; plus strand). Cytogenetic location: 10q22.3.
Variant type: single nucleotide variant.
Coding change: c.757A>G on transcript NM_020338.4 (MANE Select); coding-DNA position 757, A replaced by G.
Protein change: p.Ser253Gly; replaces serine 253 with glycine.
Molecular consequence: missense variant.
Genome position (GRCh38, 1-based): chr10:79,291,175, A>G. VCF-style: chr10-79291175-A-G. GRCh37 (hg19) VCF-style: chr10-81050932-A-G.
Other names: short protein forms S253G.
Identifiers: ClinVar variation 2006453 (VCV002006453.4), dbSNP rs2493822297, ClinGen allele CA377332745.